The following is an entry in ClinVar:

NM_004655.4(AXIN2):c.1765G>A (p.Gly589Ser)

Gene: AXIN2 (axin 2; minus strand). Cytogenetic location: 17q24.1.
Variant type: single nucleotide variant.
Coding change: c.1765G>A on transcript NM_004655.4 (MANE Select); coding-DNA position 1765, G replaced by A.
Protein change: p.Gly589Ser; replaces glycine 589 with serine.
Molecular consequence: missense variant. On other transcripts: intron variant (1).
Genome position (GRCh38, 1-based): chr17:65,537,011, C>T on the plus strand (G>A on the coding strand, the complement: AXIN2 is on the minus strand). VCF-style: chr17-65537011-C-T. GRCh37 (hg19) VCF-style: chr17-63533129-C-T.
Other names: c.1712+313G>A (NM_001363813.1); short protein forms G589S.
Identifiers: ClinVar variation 1057724 (VCV001057724.10), dbSNP rs2144451110, ClinGen allele CA400676663.

ClinVar aggregate classification (germline): Uncertain significance. Review status: criteria provided, multiple submitters, no conflicts (2 of 4 stars). 2 submissions from 2 submitters: Uncertain significance (2). Last evaluated 2025-11-15.

Conditions:
Oligodontia-cancer predisposition syndrome. Also called: TOOTH AGENESIS-COLORECTAL CANCER SYNDROME. Identifiers: Orphanet 300576, MedGen C1837750, MONDO:0012075, OMIM 608615. Disease mechanism: loss of function.
Hereditary cancer-predisposing syndrome. Also called: Hereditary Cancer Syndrome; Tumor predisposition; Hereditary neoplastic syndrome; Neoplastic Syndromes, Hereditary. Identifiers: Orphanet 140162, MedGen C0027672, MeSH D009386, MONDO:0015356.

Allele frequency attached by ClinVar (database versions not stated): gnomAD exomes below 0.00001.
gnomAD v4.1: 1 of 1,611,334 alleles (0.000062%); highest among the groups gnomAD compares: Non-Finnish European, 0.000085%; no homozygotes.

Submissions (2):

Labcorp Genetics (formerly Invitae), Labcorp
Classification: Uncertain significance for Oligodontia-cancer predisposition syndrome. Last evaluated: 2025-11-15. Review status: criteria provided, single submitter. Criteria: Invitae Variant Classification Sherloc (09022015). Collection method: clinical testing. Allele origin: germline.
Comment: This sequence change replaces glycine, which is neutral and non-polar, with serine, which is neutral and polar, at codon 589 of the AXIN2 protein (p.Gly589Ser). This variant is not present in population databases (gnomAD no frequency). This variant has not been reported in the literature in individuals affected with AXIN2-related conditions. ClinVar contains an entry for this variant (Variation ID: 1057724). Invitae Evidence Modeling of protein sequence and biophysical properties (such as structural, functional, and spatial information, amino acid conservation, physicochemical variation, residue mobility, and thermodynamic stability) indicates that this missense variant is not expected to disrupt AXIN2 protein function with a negative predictive value of 80%. In summary, the available evidence is currently insufficient to determine the role of this variant in disease. Therefore, it has been classified as a Variant of Uncertain Significance.

Ambry Genetics
Classification: Uncertain significance for Hereditary cancer-predisposing syndrome. Last evaluated: 2024-03-25. Review status: criteria provided, single submitter. Criteria: Ambry Variant Classification Scheme 2023. Collection method: clinical testing. Allele origin: germline.